The following is an entry in ClinVar:

NM_005826.5(HNRNPR):c.1774C>T (p.Gln592Ter)

Gene: HNRNPR (heterogeneous nuclear ribonucleoprotein R; minus strand). Cytogenetic location: 1p36.12.
Variant type: single nucleotide variant.
Coding change: c.1774C>T on transcript NM_005826.5 (MANE Select); coding-DNA position 1774, C replaced by T.
Protein change: p.Gln592Ter; replaces glutamine 592 with a stop codon.
Molecular consequence: nonsense.
Genome position (GRCh38, 1-based): chr1:23,310,582, G>A on the plus strand (C>T on the coding strand, the complement: HNRNPR is on the minus strand). VCF-style: chr1-23310582-G-A. GRCh37 (hg19) VCF-style: chr1-23637075-G-A.
Other names: c.1471C>T, p.Gln491Ter (NM_001102397.3); c.1783C>T, p.Gln595Ter (NM_001102398.3); c.1480C>T, p.Gln494Ter (NM_001102399.3); c.1660C>T, p.Gln554Ter (NM_001297620.2); c.1294C>T, p.Gln432Ter (NM_001297621.2); c.1357C>T, p.Gln453Ter (NM_001297622.2); c.1597C>T, p.Gln533Ter (NM_001437727.1); c.1774C>T, p.Gln592Ter (NM_001438564.1); short protein forms Q432*, Q453*, Q491*, Q494*, Q533*, Q554*, Q592*, Q595*.
Identifiers: ClinVar variation 4538872 (VCV004538872.1).

ClinVar aggregate classification (germline): Uncertain significance (1 of 4 stars; one submission).

Submission:

GeneDx
Classification: Uncertain significance. Last evaluated: 2025-06-17. Review status: criteria provided, single submitter. Criteria: GeneDx Variant Classification Process June 2021. Collection method: clinical testing. Allele origin: germline. Affected: yes.
Comment: Not observed at significant frequency in large population cohorts (gnomAD); Nonsense variant predicted to result in protein truncation as the last 42 amino acid(s) are lost; Has not been previously published as pathogenic or benign to our knowledge